The following is an entry in ClinVar:

ClinVar aggregate classification (germline): Likely benign. Review status: criteria provided, multiple submitters, no conflicts (2 of 4 stars). 2 submissions from 2 submitters: Likely benign (2). Last evaluated 2025-12-16.

Allele frequency attached by ClinVar (database versions not stated): gnomAD 0.00005; TOPMed 0.00006; gnomAD exomes 0.00010; ExAC 0.00014.
gnomAD v4.1: 161 of 1,613,938 alleles (0.01%); highest among the groups gnomAD compares: Non-Finnish European, 0.0096%; 1 homozygote.

Submissions (2):

Labcorp Genetics (formerly Invitae), Labcorp
Classification: Likely benign. Last evaluated: 2025-12-16. Review status: criteria provided, single submitter. Criteria: Invitae Variant Classification Sherloc (09022015). Collection method: clinical testing. Allele origin: germline.

CeGaT Center for Human Genetics Tuebingen
Classification: Likely benign. Last evaluated: 2022-05-01. Review status: criteria provided, single submitter. Criteria: CeGaT Center For Human Genetics Tuebingen Variant Classification Criteria Version 2. Collection method: clinical testing. Allele origin: germline. Affected: yes. Observed: 1 variant allele.
Comment: NRIP1: BP4, BP7

NM_003489.4(NRIP1):c.762C>T (p.Ala254=)

Gene: NRIP1 (nuclear receptor interacting protein 1; minus strand). Cytogenetic location: 21q11.2.
Variant type: single nucleotide variant.
Coding change: c.762C>T on transcript NM_003489.4 (MANE Select); coding-DNA position 762, C replaced by T.
Protein change: p.Ala254=; no amino-acid change (alanine 254 retained).
Molecular consequence: synonymous variant.
Genome position (GRCh38, 1-based): chr21:14,967,431, G>A on the plus strand (C>T on the coding strand, the complement: NRIP1 is on the minus strand). VCF-style: chr21-14967431-G-A. GRCh37 (hg19) VCF-style: chr21-16339752-G-A.
Identifiers: ClinVar variation 2652571 (VCV002652571.26), dbSNP rs761863730, ClinGen allele CA9981442.
Genomic context (GRCh38, chr21:14,967,431, plus strand): 5'-GGCTTCGCTTGACAGAAGTAATGCTAACTGGCTACAAGCAACACTAGGTTTAGGTGAGGT[G>A]GCAGGACTAGCCCTTTTTTCCACCATGCTTGCAACAGCCTGTAATCTTGCAGCACATGAC-3'
Protein context (NP_003480.2, residues 244-264): ASMVEKRASP[Ala254=]TSPKPSVACS